The following is an entry in ClinVar:

NM_000548.5(TSC2):c.3190_3209dup (p.Ser1072_Val1073insLeuSerLeuTerThrSer)

Gene: TSC2 (TSC complex subunit 2; plus strand). Cytogenetic location: 16p13.3.
Variant type: Duplication.
Coding change: c.3190_3209dup on transcript NM_000548.5 (MANE Select); coding-DNA positions 3190 to 3209, 20 bases duplicated (AACAAGCTTGTCACTGTGAC).
Protein change: p.Ser1072_Val1073insLeuSerLeuTerThrSer.
Molecular consequence: nonsense, inframe insertion. On other transcripts: non-coding transcript variant (5).
Genome position (GRCh38, 1-based): chr16:2,079,334-2,079,353, AACAAGCTTGTCACTGTGAC duplicated. VCF-style (leftmost placement, unchanged base first): chr16-2079333-G-GAACAAGCTTGTCACTGTGAC. GRCh37 (hg19) VCF-style: chr16-2129334-G-GAACAAGCTTGTCACTGTGAC.
Other names: c.3058_3077dup, p.Ser1028_Val1029insLeuSerLeuTerThrSer (NM_001077183.3, NM_001370404.1, NM_001406665.1); c.3190_3209dup, p.Ser1072_Val1073insLeuSerLeuTerThrSer (NM_001114382.3); c.2950_2969dup, p.Ser992_Val993insLeuSerLeuTerThrSer (NM_001318827.2); c.2914_2933dup, p.Ser980_Val981insLeuSerLeuTerThrSer (NM_001318829.2); c.2458_2477dup, p.Ser828_Val829insLeuSerLeuTerThrSer (NM_001318831.2, NM_001406687.1, NM_001406688.1); c.3091_3110dup, p.Ser1039_Val1040insLeuSerLeuTerThrSer (NM_001318832.2); c.3061_3080dup, p.Ser1029_Val1030insLeuSerLeuTerThrSer (NM_001363528.2, NM_001370405.1, NM_021055.3); c.3187_3206dup, p.Ser1071_Val1072insLeuSerLeuTerThrSer (NM_001406663.1, NM_001406664.1); and 18 more.
Identifiers: ClinVar variation 2837611 (VCV002837611.3), dbSNP rs2544047995, ClinGen allele CA2739265844.
Genomic context (GRCh38, chr16:2,079,333, plus strand): 5'-TAGGTCTCCTGTGGGCGAGTTCCTCCTAGCGGGTGGCAGGACCAAAACCTGGCTGGTTGG[G>GAACAAGCTTGTCACTGTGAC]AACAAGCTTGTCACTGTGACGACAAGCGTGGGAACCGGGACCCGGTCGTTACTAGGCCTG-3'

ClinVar aggregate classification (germline): Pathogenic (1 of 4 stars; one submission).

Conditions:
Tuberous sclerosis 2 (TSC2). Identifiers: Orphanet 805, MedGen C1860707, MONDO:0013199, OMIM 613254.

Submission:

Labcorp Genetics (formerly Invitae), Labcorp
Classification: Pathogenic for Tuberous sclerosis 2. Last evaluated: 2023-02-15. Review status: criteria provided, single submitter. Criteria: Invitae Variant Classification Sherloc (09022015). Collection method: clinical testing. Allele origin: germline.
Comment: This sequence change creates a premature translational stop signal (p.Val1073Leufs*4) in the TSC2 gene. It is expected to result in an absent or disrupted protein product. Loss-of-function variants in TSC2 are known to be pathogenic (PMID: 10205261, 17304050). This variant is not present in population databases (gnomAD no frequency). This variant has not been reported in the literature in individuals affected with TSC2-related conditions. For these reasons, this variant has been classified as Pathogenic.

Literature cited by the submitters: PubMed 10205261; PubMed 17304050.